The following is an entry in ClinVar:

ClinVar aggregate classification (germline): Likely pathogenic (1 of 4 stars; one submission).

Conditions:
Generalized epilepsy with febrile seizures plus, type 9 (GEFSP9). Also called: GEFS+, TYPE 9. Identifiers: Orphanet 36387, MedGen C4015395, MONDO:0014517, OMIM 616172.

Submission:

Labcorp Genetics (formerly Invitae), Labcorp
Classification: Likely pathogenic for Generalized epilepsy with febrile seizures plus, type 9. Last evaluated: 2020-08-14. Review status: criteria provided, single submitter. Criteria: Invitae Variant Classification Sherloc (09022015). Collection method: clinical testing. Allele origin: germline.
Comment: In summary, the currently available evidence indicates that the variant is pathogenic, but additional data are needed to prove that conclusively. Therefore, this variant has been classified as Likely Pathogenic. Donor and acceptor splice site variants typically lead to a loss of protein function (PMID: 16199547), and loss-of-function variants in STX1B are known to be pathogenic (PMID: 25362483). Algorithms developed to predict the effect of sequence changes on RNA splicing suggest that this variant may disrupt the consensus splice site, but this prediction has not been confirmed by published transcriptional studies. This variant has not been reported in the literature in individuals with STX1B-related conditions. This variant is not present in population databases (ExAC no frequency). This sequence change affects a donor splice site in intron 3 of the STX1B gene. It is expected to disrupt RNA splicing and likely results in an absent or disrupted protein product.

Literature cited by the submitters: PubMed 16199547; PubMed 25362483.

NM_052874.5(STX1B):c.205+2_205+3del

Gene: STX1B (syntaxin 1B; minus strand). Cytogenetic location: 16p11.2.
Variant type: Deletion.
Coding change: c.205+2_205+3del on transcript NM_052874.5 (MANE Select); the canonical splice donor site of the intron after coding-DNA position 205 through 3 bases into the intron after coding-DNA position 205, 2 bases deleted (TG; older notation c.205+2_205+3delTG).
Molecular consequence: splice donor variant.
Genome position (GRCh38, 1-based): chr16:31,001,091-31,001,092, CA deleted on the plus strand (TG on the coding strand, the reverse complement: STX1B is on the minus strand); deleting any 2 consecutive bases within chr16:31,001,091-31,001,093 gives the same sequence; the c. name uses the placement nearest the transcript's 3' end. VCF-style (leftmost placement, unchanged base first): chr16-31001090-TCA-T. GRCh37 (hg19) VCF-style: chr16-31012411-TCA-T.
Identifiers: ClinVar variation 961985 (VCV000961985.7), dbSNP rs2056625682, ClinGen allele CA1139664660.